The following is an entry in ClinVar:

ClinVar aggregate classification (germline): Pathogenic (1 of 4 stars; one submission).

Submission:

Labcorp Genetics (formerly Invitae), Labcorp
Classification: Pathogenic. Last evaluated: 2021-10-22. Review status: criteria provided, single submitter. Criteria: Invitae Variant Classification Sherloc (09022015). Collection method: clinical testing. Allele origin: germline.
Comment: For these reasons, this variant has been classified as Pathogenic. Algorithms developed to predict the effect of sequence changes on RNA splicing suggest that this variant may create or strengthen a splice site. This variant has not been reported in the literature in individuals affected with IDH3A-related conditions. This variant is not present in population databases (gnomAD no frequency). This sequence change creates a premature translational stop signal (p.Trp6*) in the IDH3A gene. It is expected to result in an absent or disrupted protein product. Loss-of-function variants in IDH3A are known to be pathogenic (PMID: 28412069).

Literature cited by the submitters: PubMed 28412069.

NM_005530.3(IDH3A):c.17G>A (p.Trp6Ter)

Genes: IDH3A (isocitrate dehydrogenase (NAD(+)) 3 catalytic subunit alpha; plus strand), LOC130057684 (ATAC-STARR-seq lymphoblastoid silent region 6706; plus strand). Cytogenetic location: 15q25.1.
Variant type: single nucleotide variant.
Coding change: c.17G>A on transcript NM_005530.3 (MANE Select); coding-DNA position 17, G replaced by A.
Protein change: p.Trp6Ter; replaces tryptophan 6 with a stop codon.
Molecular consequence: nonsense.
Genome position (GRCh38, 1-based): chr15:78,149,420, G>A. VCF-style: chr15-78149420-G-A. GRCh37 (hg19) VCF-style: chr15-78441762-G-A.
Other names: short protein forms W6*.
Identifiers: ClinVar variation 1446597 (VCV001446597.6), dbSNP rs2141934667, ClinGen allele CA393554850.
Genomic context (GRCh38, chr15:78,149,420, plus strand): 5'-GCACTGCCGCTGCGGCTGTTGCTGCGGAGCCAGGAGGGGAAGCGATGGCTGGGCCCGCGT[G>A]GATCTCTAAGGTGAGCGCTGGCAGGCCGGCGTGTGGCAGGCAGGCAGGCCGCGAGGGCTG-3'